The following is an entry in ClinVar:

ClinVar aggregate classification (germline): Uncertain significance (1 of 4 stars; one submission).

Conditions:
Familial thoracic aortic aneurysm and aortic dissection (TAAD). Also called: Thoracic aortic aneurysms and dissections. Identifiers: Orphanet 91387, MedGen C4707243, MONDO:0019625.

Submission:

Color Diagnostics, LLC DBA Color Health
Classification: Uncertain significance for Familial thoracic aortic aneurysm and aortic dissection. Last evaluated: 2025-07-07. Review status: criteria provided, single submitter. Criteria: ACMG Guidelines, 2015. Collection method: clinical testing. Allele origin: germline.
Comment: This missense variant replaces proline with alanine at codon 1024 of the FBN1 protein. Computational prediction suggests that this variant may not impact protein structure and function. To our knowledge, functional studies have not been reported for this variant. This variant has not been reported in individuals affected with FBN1-related disorders in the literature. This variant has not been identified in the general population by the Genome Aggregation Database (gnomAD). The available evidence is insufficient to determine the role of this variant in disease conclusively. Therefore, this variant is classified as a Variant of Uncertain Significance.

NM_000138.5(FBN1):c.3070C>G (p.Pro1024Ala)

Gene: FBN1 (fibrillin 1; minus strand). Cytogenetic location: 15q21.1.
Variant type: single nucleotide variant.
Coding change: c.3070C>G on transcript NM_000138.5 (MANE Select); coding-DNA position 3070, C replaced by G.
Protein change: p.Pro1024Ala; replaces proline 1024 with alanine.
Molecular consequence: missense variant.
Genome position (GRCh38, 1-based): chr15:48,489,863, G>C on the plus strand (C>G on the coding strand, the complement: FBN1 is on the minus strand). VCF-style: chr15-48489863-G-C. GRCh37 (hg19) VCF-style: chr15-48782060-G-C.
Other names: c.3070C>G, p.Pro1024Ala (NM_001406716.1); short protein forms P1024A.
Identifiers: ClinVar variation 4757412 (VCV004757412.1).